The following is an entry in ClinVar:

ClinVar aggregate classification (germline): Uncertain significance (1 of 4 stars; one submission).

Conditions:
Long QT syndrome (LQTS). Identifiers: MedGen C0023976, MeSH D008133, MONDO:0002442. Disease mechanism: loss of function. Inheritance: Various modes of inheritance.

Submission:

Labcorp Genetics (formerly Invitae), Labcorp
Classification: Uncertain significance for Long QT syndrome. Last evaluated: 2024-09-18. Review status: criteria provided, single submitter. Criteria: Invitae Variant Classification Sherloc (09022015). Collection method: clinical testing. Allele origin: germline.
Comment: This sequence change replaces histidine, which is basic and polar, with tyrosine, which is neutral and polar, at codon 1745 of the CACNA1C protein (p.His1745Tyr). This variant is not present in population databases (gnomAD no frequency). This variant has not been reported in the literature in individuals affected with CACNA1C-related conditions. Invitae Evidence Modeling of protein sequence and biophysical properties (such as structural, functional, and spatial information, amino acid conservation, physicochemical variation, residue mobility, and thermodynamic stability) indicates that this missense variant is not expected to disrupt CACNA1C protein function with a negative predictive value of 95%. In summary, the available evidence is currently insufficient to determine the role of this variant in disease. Therefore, it has been classified as a Variant of Uncertain Significance.

NM_000719.7(CACNA1C):c.5233C>T (p.His1745Tyr)

Genes: CACNA1C (calcium voltage-gated channel subunit alpha1 C; plus strand), CACNA1C-AS1 (CACNA1C antisense RNA 1; minus strand). Cytogenetic location: 12p13.33.
Variant type: single nucleotide variant.
Coding change: c.5233C>T on transcript NM_000719.7 (MANE Select); coding-DNA position 5233, C replaced by T.
Protein change: p.His1745Tyr; replaces histidine 1745 with tyrosine.
Molecular consequence: missense variant.
Genome position (GRCh38, 1-based): chr12:2,679,585, C>T. VCF-style: chr12-2679585-C-T. GRCh37 (hg19) VCF-style: chr12-2788751-C-T.
Other names: c.5377C>T, p.His1793Tyr (NM_001129827.2, NM_199460.4); c.5356C>T, p.His1786Tyr (NM_001129829.2); c.5233C>T, p.His1745Tyr (NM_001129830.3, NM_001129843.2, NM_001167623.2 and 4 more transcripts); c.5317C>T, p.His1773Tyr (NM_001129831.2); c.5293C>T, p.His1765Tyr (NM_001129832.2); c.5290C>T, p.His1764Tyr (NM_001129833.2, NM_001129834.2, NM_001129835.2); c.5224C>T, p.His1742Tyr (NM_001129844.2); c.5200C>T, p.His1734Tyr (NM_001129846.2, NM_001167625.2); and 3 more; short protein forms H1745Y, H1751Y, H1762Y, H1765Y, H1786Y, H1734Y, H1742Y, H1764Y.
Identifiers: ClinVar variation 3669591 (VCV003669591.2).